The following is an entry in ClinVar:

NM_000277.3(PAH):c.1037G>A (p.Gly346Glu)

Gene: PAH (phenylalanine hydroxylase; minus strand). Cytogenetic location: 12q23.2.
Variant type: single nucleotide variant.
Coding change: c.1037G>A on transcript NM_000277.3 (MANE Select); coding-DNA position 1037, G replaced by A.
Protein change: p.Gly346Glu; replaces glycine 346 with glutamic acid.
Molecular consequence: missense variant.
Genome position (GRCh38, 1-based): chr12:102,844,364, C>T on the plus strand (G>A on the coding strand, the complement: PAH is on the minus strand). VCF-style: chr12-102844364-C-T. GRCh37 (hg19) VCF-style: chr12-103238142-C-T.
Other names: c.1037G>A, p.Gly346Glu (NM_001354304.2); c.1037G>A (NM_000277.2); short protein forms G346E.
Identifiers: ClinVar variation 458078 (VCV000458078.9), dbSNP rs1555203737, ClinGen allele CA16020921.

ClinVar aggregate classification (germline): Likely pathogenic. Review status: reviewed by expert panel (3 of 4 stars). 3 submissions from 3 submitters: Likely pathogenic (1). 2 of the submissions do not count toward it. Last evaluated 2026-02-18.

Conditions:
Phenylketonuria (PKU). Also called: Phenylketonuria (PKU); FOLLING DISEASE; OLIGOPHRENIA PHENYLPYRUVICA; Phenylketonurias. Identifiers: Orphanet 716, MedGen C0031485, MONDO:0009861, OMIM 261600. Disease mechanism: loss of function.

Submissions (3):

ClinGen PAH Variant Curation Expert Panel
Classification: Likely pathogenic for Phenylketonuria. Last evaluated: 2026-02-18. Review status: reviewed by expert panel. Criteria: ClinGen PAH ACMG Specifications PAH V2.0.0. Collection method: curation. Allele origin: germline. Inheritance: Autosomal recessive inheritance.
Comment: The c.1037G>A variant in PAH is a missense variant predicted to cause substitution of glycine by glutamic acid at amino acid 346 (p.Gly346Glu). At least one patient with this variant displayed plasma phenylalanine concentration persistently above 120umol/L (2mg/dL) AND normal urine pterins and normal DHPR activity excluded a defect of BH4 cofactor metabolism, which is highly specific for PAH deficiency (PP4_Moderate, PMID 19394257). Of reported individuals, one was compound heterozygous for the variant and a pathogenic variant (unknown phase), and one individual was homozygous for the variant (1 point, PMID: 32668217, PM3). This variant is absent from gnomAD v4.1.0 (PM2_Supporting). The computational predictor REVEL gives a score of 0.979, which meets the threshold of 0.932, evidence that correlates with strong impact to PAH function (PP3_Strong). Two missense variants, c.1036G>A (p.Gly346Arg) and c.1036G>C (p.Gly346Arg) [ClinVar Variation ID 102485, 102486], in the same codon have been classified as Likely pathogenic for PAH deficiency by the ClinGen PAH Variant Curation Expert Panel. However, the PAH VCEP is not applying PM5 as evidence since the p.Gly346Glu variant is also classified as Likely pathogenic. In summary, this variant meets the criteria to be classified as Likely pathogenic for autosomal recessive PAH deficiency based on the ACMG/AMP criteria applied, as specified by the ClinGen PAH Variant Curation Expert Panel: PP3_strong, PP4_moderate, PM3, PM2_supporting (PAH VCEP specifications version 2.0.0; approved July 16, 2024).

Natera, Inc.
Classification: Likely pathogenic for Phenylketonuria. Last evaluated: 2025-12-19. Review status: criteria provided, single submitter. Criteria: Natera Variant Classification Schema (03/2026). Collection method: clinical testing. Allele origin: germline. Not counted in ClinVar's aggregate classification.
Comment: The c.1037G>A variant in PAH is a missense variant predicted to cause substitution of glycine to glutamic acid at amino acid 346. This variant is rare in the general population with a frequency below the threshold expected for the associated phenotype(s). This variant has been observed in one or more individuals affected with the associated recessive disease, as either homozygous or compound heterozygous with a second variant (PMID: 32668217). This variant is located in a functionally critical region of the protein. Computational prediction algorithms indicate this variant is likely to affect gene or protein function. Given the available evidence, this variant is classified as Likely Pathogenic.

Labcorp Genetics (formerly Invitae), Labcorp
Classification: Pathogenic for Phenylketonuria. Last evaluated: 2023-10-09. Review status: criteria provided, single submitter. Criteria: Invitae Variant Classification Sherloc (09022015). Collection method: clinical testing. Allele origin: germline. Not counted in ClinVar's aggregate classification.
Comment: This sequence change replaces glycine, which is neutral and non-polar, with glutamic acid, which is acidic and polar, at codon 346 of the PAH protein (p.Gly346Glu). This variant is not present in population databases (gnomAD no frequency). This missense change has been observed in individual(s) with phenylketonuria (PMID: 32668217; Invitae). ClinVar contains an entry for this variant (Variation ID: 458078). Advanced modeling of protein sequence and biophysical properties (such as structural, functional, and spatial information, amino acid conservation, physicochemical variation, residue mobility, and thermodynamic stability) performed at Invitae indicates that this missense variant is expected to disrupt PAH protein function. This variant disrupts the p.Gly346 amino acid residue in PAH. Other variant(s) that disrupt this residue have been determined to be pathogenic (PMID: 16256386). This suggests that this residue is clinically significant, and that variants that disrupt this residue are likely to be disease-causing. For these reasons, this variant has been classified as Pathogenic.

Literature cited by the submitters: PubMed 32668217 (cited by Natera, Inc. and Labcorp Genetics (formerly Invitae), Labcorp); PubMed 16256386 (cited by Labcorp Genetics (formerly Invitae), Labcorp).